The following is an entry in ClinVar:

NM_013382.7(POMT2):c.143G>T (p.Gly48Val)

Gene: POMT2 (protein O-mannosyltransferase 2; minus strand). Cytogenetic location: 14q24.3.
Variant type: single nucleotide variant.
Coding change: c.143G>T on transcript NM_013382.7 (MANE Select); coding-DNA position 143, G replaced by T.
Protein change: p.Gly48Val; replaces glycine 48 with valine.
Molecular consequence: missense variant.
Genome position (GRCh38, 1-based): chr14:77,320,539, C>A on the plus strand (G>T on the coding strand, the complement: POMT2 is on the minus strand). VCF-style: chr14-77320539-C-A. GRCh37 (hg19) VCF-style: chr14-77786882-C-A.
Other names: short protein forms G48V.
Identifiers: ClinVar variation 4077290 (VCV004077290.1).
Genomic context (GRCh38, chr14:77,320,539, plus strand): 5'-GACAGCAGCGTCACCAAGGCCAGCAGGGCCCACCAGCCGACCGCCTCGAAGCGCCGTGAG[C>A]CCCAAGCAGGCCGTTTGGGGCTTCGCGCCACAGCCTCAGCGGCCACGTCCCGGCCTGCGG-3'
Protein context (NP_037514.2, residues 38-58): VARSPKRPAW[Gly48Val]SRRFEAVGWW

ClinVar aggregate classification (germline): Uncertain significance. Review status: criteria provided, multiple submitters, no conflicts (2 of 4 stars). 2 submissions from 2 submitters: Uncertain significance (2). Last evaluated 2025-02-26.

Submissions (2):

GeneDx
Classification: Uncertain significance. Last evaluated: 2025-02-26. Review status: criteria provided, single submitter. Criteria: GeneDx Variant Classification Process June 2021. Collection method: clinical testing. Allele origin: germline. Affected: yes.
Comment: Not observed at significant frequency in large population cohorts (gnomAD); In silico analysis indicates that this missense variant does not alter protein structure/function; Has not been previously published as pathogenic or benign to our knowledge

Revvity Omics, Revvity
Classification: Uncertain significance. Last evaluated: 2024-12-24. Review status: criteria provided, single submitter. Criteria: ACMG Guidelines, 2015. Collection method: clinical testing. Allele origin: germline.